The following is an entry in ClinVar:

NM_001358921.2(COQ2):c.887A>G (p.Asn296Ser)

Gene: COQ2 (coenzyme Q2, polyprenyltransferase; minus strand). Cytogenetic location: 4q21.23.
Variant type: single nucleotide variant.
Coding change: c.887A>G on transcript NM_001358921.2 (MANE Select); coding-DNA position 887, A replaced by G.
Protein change: p.Asn296Ser; replaces asparagine 296 with serine.
Molecular consequence: missense variant.
Genome position (GRCh38, 1-based): chr4:83,267,650, T>C on the plus strand (A>G on the coding strand, the complement: COQ2 is on the minus strand). VCF-style: chr4-83267650-T-C. GRCh37 (hg19) VCF-style: chr4-84188803-T-C.
Other names: c.1037A>G, p.Asn346Ser (NM_015697.9); short protein forms N346S, N296S.
Identifiers: ClinVar variation 1934447 (VCV001934447.5), dbSNP rs1442609982, ClinGen allele CA357229013.

ClinVar aggregate classification (germline): Uncertain significance (1 of 4 stars; one submission).

Allele frequency attached by ClinVar (database versions not stated): TOPMed below 0.00001; gnomAD 0.00001.
gnomAD v4.1: 6 of 1,579,950 alleles (0.00038%); highest among the groups gnomAD compares: Admixed American, 0.0036%; no homozygotes.

Submission:

Labcorp Genetics (formerly Invitae), Labcorp
Classification: Uncertain significance. Last evaluated: 2022-08-16. Review status: criteria provided, single submitter. Criteria: Invitae Variant Classification Sherloc (09022015). Collection method: clinical testing. Allele origin: germline.
Comment: In summary, the available evidence is currently insufficient to determine the role of this variant in disease. Therefore, it has been classified as a Variant of Uncertain Significance. Algorithms developed to predict the effect of missense changes on protein structure and function output the following: SIFT: "Tolerated"; PolyPhen-2: "Benign"; Align-GVGD: "Class C0". The serine amino acid residue is found in multiple mammalian species, which suggests that this missense change does not adversely affect protein function. This variant has not been reported in the literature in individuals affected with COQ2-related conditions. The frequency data for this variant in the population databases is considered unreliable, as metrics indicate poor data quality at this position in the gnomAD database. This sequence change replaces asparagine, which is neutral and polar, with serine, which is neutral and polar, at codon 346 of the COQ2 protein (p.Asn346Ser).